The following is an entry in ClinVar:

ClinVar aggregate classification (germline): Uncertain significance (1 of 4 stars; one submission).

Conditions:
PKHD1-related disorder. Also called: PKHD1-related condition.

gnomAD v4.1: 1 of 1,613,694 alleles (0.000062%); no homozygotes.

Submission:

PreventionGenetics, part of Exact Sciences
Classification: Uncertain significance for PKHD1-related condition. Last evaluated: 2025-02-10. Review status: criteria provided, single submitter. Criteria: ACMG Guidelines, 2015. Collection method: clinical testing. Allele origin: germline.
Comment: The PKHD1 c.8323A>G variant is predicted to result in the amino acid substitution p.Thr2775Ala. To our knowledge, this variant has not been reported in the literature. This variant is reported in 1 out of 251,168 individuals in gnomAD. At this time, the clinical significance of this variant is uncertain due to the absence of conclusive functional and genetic evidence.

NM_138694.4(PKHD1):c.8323A>G (p.Thr2775Ala)

Gene: PKHD1 (PKHD1 ciliary IPT domain containing fibrocystin/polyductin; minus strand). Cytogenetic location: 6p12.3.
Variant type: single nucleotide variant.
Coding change: c.8323A>G on transcript NM_138694.4 (MANE Select); coding-DNA position 8323, A replaced by G.
Protein change: p.Thr2775Ala; replaces threonine 2775 with alanine.
Molecular consequence: missense variant.
Genome position (GRCh38, 1-based): chr6:51,791,353, T>C on the plus strand (A>G on the coding strand, the complement: PKHD1 is on the minus strand). VCF-style: chr6-51791353-T-C. GRCh37 (hg19) VCF-style: chr6-51656151-T-C.
Other names: c.8323A>G, p.Thr2775Ala (NM_170724.3); short protein forms T2775A.
Identifiers: ClinVar variation 4997573 (VCV004997573.1).